The following is an entry in ClinVar:

NM_005912.3(MC4R):c.239A>C (p.Tyr80Ser)

Gene: MC4R (melanocortin 4 receptor; minus strand). Cytogenetic location: 18q21.32.
Variant type: single nucleotide variant.
Coding change: c.239A>C on transcript NM_005912.3 (MANE Select); coding-DNA position 239, A replaced by C.
Protein change: p.Tyr80Ser; replaces tyrosine 80 with serine.
Molecular consequence: missense variant.
Genome position (GRCh38, 1-based): chr18:60,372,111, T>G on the plus strand (A>C on the coding strand, the complement: MC4R is on the minus strand). VCF-style: chr18-60372111-T-G. GRCh37 (hg19) VCF-style: chr18-58039344-T-G.
Other names: short protein forms Y80S.
Identifiers: ClinVar variation 4540611 (VCV004540611.1).

ClinVar aggregate classification (germline): Uncertain significance (1 of 4 stars; one submission).

Conditions:
Early onset severe obesity. Identifiers: MedGen C4013980.

Submission:

Cambridge Genomics Laboratory, East Genomic Laboratory Hub, NHS Genomic Medicine Service
Classification: Uncertain significance for Severe early-onset obesity. Last evaluated: 2025-11-10. Review status: criteria provided, single submitter. Criteria: ACGS Best Practice Guidelines for Variant Classification in Rare Disease 2020. Collection method: clinical testing. Allele origin: germline. Affected: yes.
Comment: PM2